The following is an entry in ClinVar:

NM_001365480.1(CCDC88A):c.3337A>G (p.Thr1113Ala)

Gene: CCDC88A (coiled-coil and HOOK domain protein 88A; minus strand). Cytogenetic location: 2p16.1.
Variant type: single nucleotide variant.
Coding change: c.3337A>G on transcript NM_001365480.1 (MANE Select); coding-DNA position 3337, A replaced by G.
Protein change: p.Thr1113Ala; replaces threonine 1113 with alanine.
Molecular consequence: missense variant.
Genome position (GRCh38, 1-based): chr2:55,317,829, T>C on the plus strand (A>G on the coding strand, the complement: CCDC88A is on the minus strand). VCF-style: chr2-55317829-T-C. GRCh37 (hg19) VCF-style: chr2-55544965-T-C.
Other names: c.3334A>G, p.Thr1112Ala (NM_001135597.2, NM_001254943.2); c.3337A>G, p.Thr1113Ala (NM_018084.5); c.3334A>G (NM_001135597.1); short protein forms T1112A, T1113A.
Identifiers: ClinVar variation 1409834 (VCV001409834.7), dbSNP rs745673238, ClinGen allele CA1665768.

ClinVar aggregate classification (germline): Uncertain significance. Review status: criteria provided, multiple submitters, no conflicts (2 of 4 stars). 2 submissions from 2 submitters: Uncertain significance (2). Last evaluated 2025-08-25.

Allele frequency attached by ClinVar (database versions not stated): gnomAD 0.00002 and 0.00004; TOPMed 0.00006; gnomAD exomes 0.00007 and 0.00004; ExAC 0.00005.
gnomAD v4.1: 107 of 1,602,852 alleles (0.0067%); highest among the groups gnomAD compares: Middle Eastern, 0.017%; no homozygotes.

Submissions (2):

Ambry Genetics
Classification: Uncertain significance. Last evaluated: 2025-08-25. Review status: criteria provided, single submitter. Criteria: Ambry Variant Classification Scheme 2023. Collection method: clinical testing. Allele origin: germline.

Labcorp Genetics (formerly Invitae), Labcorp
Classification: Uncertain significance. Last evaluated: 2022-08-16. Review status: criteria provided, single submitter. Criteria: Invitae Variant Classification Sherloc (09022015). Collection method: clinical testing. Allele origin: germline.
Comment: This sequence change replaces threonine, which is neutral and polar, with alanine, which is neutral and non-polar, at codon 1112 of the CCDC88A protein (p.Thr1112Ala). This variant is present in population databases (rs745673238, gnomAD 0.008%). This variant has not been reported in the literature in individuals affected with CCDC88A-related conditions. ClinVar contains an entry for this variant (Variation ID: 1409834). Algorithms developed to predict the effect of missense changes on protein structure and function (SIFT, PolyPhen-2, Align-GVGD) all suggest that this variant is likely to be tolerated. In summary, the available evidence is currently insufficient to determine the role of this variant in disease. Therefore, it has been classified as a Variant of Uncertain Significance.